The following is an entry in ClinVar:

NC_000022.11:g.(?_40364256)_(40366542_?)dup

Gene: ADSL (adenylosuccinate lyase; plus strand). Cytogenetic location: 22q13.1.
Variant type: Duplication.
Identifiers: ClinVar variation 831532 (VCV000831532.4).

ClinVar aggregate classification (germline): Uncertain significance (1 of 4 stars; one submission).

Conditions:
Adenylosuccinate lyase deficiency (ADSLD). Also called: ADSL DEFICIENCY. Identifiers: Orphanet 46, MedGen C0268126, MONDO:0007068, OMIM 103050.

Submission:

Labcorp Genetics (formerly Invitae), Labcorp
Classification: Uncertain significance for Adenylosuccinate lyase deficiency. Last evaluated: 2019-12-23. Review status: criteria provided, single submitter. Criteria: Invitae Variant Classification Sherloc (09022015). Collection method: clinical testing. Allele origin: germline.
Comment: This variant results in a copy number gain of the genomic region encompassing exons 11-13 of the ADSL gene. The 5' boundary is likely confined to intron 10. The 3' end of this event is unknown as it extends beyond the assayed region for this gene and therefore may encompass additional genes. As the precise location of this event is unknown, it may be in tandem or it may be located elsewhere in the genome. This variant has not been reported in the literature in individuals with ADSL-related conditions. In summary, the available evidence is currently insufficient to determine the role of this variant in disease. Therefore, it has been classified as a Variant of Uncertain Significance.